The following is an entry in ClinVar:

NM_017534.6(MYH2):c.1711G>A (p.Val571Met)

Genes: MYH2 (myosin heavy chain 2; minus strand), MYHAS (myosin heavy chain gene cluster antisense RNA; plus strand). Cytogenetic location: 17p13.1.
Variant type: single nucleotide variant.
Coding change: c.1711G>A on transcript NM_017534.6 (MANE Select); coding-DNA position 1711, G replaced by A.
Protein change: p.Val571Met; replaces valine 571 with methionine.
Molecular consequence: missense variant.
Genome position (GRCh38, 1-based): chr17:10,537,419, C>T on the plus strand (G>A on the coding strand, the complement: MYH2 is on the minus strand). VCF-style: chr17-10537419-C-T. GRCh37 (hg19) VCF-style: chr17-10440736-C-T.
Other names: c.1711G>A, p.Val571Met (NM_001100112.2); short protein forms V571M.
Identifiers: ClinVar variation 321688 (VCV000321688.12), dbSNP rs778226679, ClinGen allele CA8391307.

ClinVar aggregate classification (germline): Uncertain significance. Review status: criteria provided, multiple submitters, no conflicts (2 of 4 stars). 4 submissions from 4 submitters: Uncertain significance (4). Last evaluated 2025-02-19.

Conditions:
Inborn genetic diseases. Identifiers: MedGen C0950123, MeSH D030342.
Myopathy, proximal, and ophthalmoplegia (CMYO6). Also called: MYOPATHY WITH CONGENITAL JOINT CONTRACTURES, OPHTHALMOPLEGIA, AND RIMMED VACUOLES; INCLUSION BODY MYOPATHY 3, AUTOSOMAL DOMINANT; CONGENITAL MYOPATHY 6 WITH OPHTHALMOPLEGIA. Identifiers: Orphanet 363677, Orphanet 79091, MedGen C1854106, MONDO:0011577, OMIM 605637.

Allele frequency attached by ClinVar (database versions not stated): gnomAD 0.00001 and 0.00003; TOPMed 0.00001; gnomAD exomes 0.00007; ExAC 0.00009.
gnomAD v4.1: 81 of 1,614,158 alleles (0.005%); highest among the groups gnomAD compares: South Asian, 0.085%; 1 homozygote.

Submissions (4):

Women's Health and Genetics/Laboratory Corporation of America, LabCorp
Classification: Uncertain significance. Last evaluated: 2025-02-19. Review status: criteria provided, single submitter. Criteria: LabCorp Variant Classification Summary - May 2015. Collection method: clinical testing. Allele origin: germline.
Comment: Variant summary: MYH2 c.1711G>A (p.Val571Met) results in a conservative amino acid change located in the Myosin. Large ATPases (IPR001609) of the encoded protein sequence. Four of five in-silico tools predict a benign effect of the variant on protein function. The variant allele was found at a frequency of 7.2e-05 in 251424 control chromosomes in the gnomAD database, including 1 homozygotes. This frequency is not significantly higher than estimated for a pathogenic variant in MYH2 causing Myopathy, Proximal, And Ophthalmoplegia, allowing no conclusion about variant significance. To our knowledge, no occurrence of c.1711G>A in individuals affected with Myopathy, Proximal, And Ophthalmoplegia and no experimental evidence demonstrating its impact on protein function have been reported. ClinVar contains an entry for this variant (Variation ID: 321688). Based on the evidence outlined above, the variant was classified as uncertain significance.

Labcorp Genetics (formerly Invitae), Labcorp
Classification: Uncertain significance for Myopathy, proximal, and ophthalmoplegia. Last evaluated: 2024-12-23. Review status: criteria provided, single submitter. Criteria: Invitae Variant Classification Sherloc (09022015). Collection method: clinical testing. Allele origin: germline.
Comment: This sequence change replaces valine, which is neutral and non-polar, with methionine, which is neutral and non-polar, at codon 571 of the MYH2 protein (p.Val571Met). This variant is present in population databases (rs778226679, gnomAD 0.06%), including at least one homozygous and/or hemizygous individual. This variant has not been reported in the literature in individuals affected with MYH2-related conditions. ClinVar contains an entry for this variant (Variation ID: 321688). Invitae Evidence Modeling of protein sequence and biophysical properties (such as structural, functional, and spatial information, amino acid conservation, physicochemical variation, residue mobility, and thermodynamic stability) indicates that this missense variant is not expected to disrupt MYH2 protein function with a negative predictive value of 80%. In summary, the available evidence is currently insufficient to determine the role of this variant in disease. Therefore, it has been classified as a Variant of Uncertain Significance.

Revvity Omics, Revvity
Classification: Uncertain significance for Myopathy, proximal, and ophthalmoplegia. Last evaluated: 2023-11-17. Review status: criteria provided, single submitter. Criteria: ACMG Guidelines, 2015. Collection method: clinical testing. Allele origin: germline.

Ambry Genetics
Classification: Uncertain significance for Inborn genetic diseases. Last evaluated: 2021-08-12. Review status: criteria provided, single submitter. Criteria: Ambry Variant Classification Scheme 2023. Collection method: clinical testing. Allele origin: germline.